The following is an entry in ClinVar:

ClinVar aggregate classification (germline): Uncertain significance. Review status: criteria provided, multiple submitters, no conflicts (2 of 4 stars). 2 submissions from 2 submitters: Uncertain significance (2). Last evaluated 2024-11-06.

Conditions:
Familial sleep-related hypermotor epilepsy. Also called: Autosomal Dominant Sleep-Related Hypermotor (Hyperkinetic) Epilepsy. Identifiers: Orphanet 98784, MedGen C3696898, MONDO:0000030.

Allele frequency attached by ClinVar (database versions not stated): TOPMed 0.00001; gnomAD 0.00005; ESP Exome Variant Server 0.00008; gnomAD exomes 0.00009; 1000 Genomes Project 30x 0.00016; 1000 Genomes Project 0.00020; ExAC 0.00022.
gnomAD v4.1: 135 of 1,614,194 alleles (0.0084%); highest among the groups gnomAD compares: Non-Finnish European, 0.0041%; 1 homozygote.

Submissions (2):

Blueprint Genetics
Classification: Uncertain significance. Last evaluated: 2024-11-06. Review status: criteria provided, single submitter. Criteria: ACMG Guidelines, 2015. Collection method: clinical testing. Allele origin: germline.

Labcorp Genetics (formerly Invitae), Labcorp
Classification: Uncertain significance for Familial sleep-related hypermotor epilepsy. Last evaluated: 2022-08-09. Review status: criteria provided, single submitter. Criteria: Invitae Variant Classification Sherloc (09022015). Collection method: clinical testing. Allele origin: germline.
Comment: This sequence change replaces serine, which is neutral and polar, with phenylalanine, which is neutral and non-polar, at codon 103 of the PRIMA1 protein (p.Ser103Phe). This variant is present in population databases (rs186053781, gnomAD 0.1%). This variant has not been reported in the literature in individuals affected with PRIMA1-related conditions. Algorithms developed to predict the effect of missense changes on protein structure and function are either unavailable or do not agree on the potential impact of this missense change (SIFT: "Deleterious"; PolyPhen-2: "Probably Damaging"; Align-GVGD: "Class C0"). In summary, the available evidence is currently insufficient to determine the role of this variant in disease. Therefore, it has been classified as a Variant of Uncertain Significance.

NM_178013.4(PRIMA1):c.308C>T (p.Ser103Phe)

Gene: PRIMA1 (proline rich membrane anchor 1; minus strand). Cytogenetic location: 14q32.12.
Variant type: single nucleotide variant.
Coding change: c.308C>T on transcript NM_178013.4 (MANE Select); coding-DNA position 308, C replaced by T.
Protein change: p.Ser103Phe; replaces serine 103 with phenylalanine.
Molecular consequence: missense variant.
Genome position (GRCh38, 1-based): chr14:93,737,292, G>A on the plus strand (C>T on the coding strand, the complement: PRIMA1 is on the minus strand). VCF-style: chr14-93737292-G-A. GRCh37 (hg19) VCF-style: chr14-94203638-G-A.
Other names: short protein forms S103F.
Identifiers: ClinVar variation 2192466 (VCV002192466.2), dbSNP rs186053781, ClinGen allele CA7323044.